The following is an entry in ClinVar:

ClinVar aggregate classification (germline): Uncertain significance (1 of 4 stars; one submission).

Allele frequency attached by ClinVar (database versions not stated): gnomAD exomes below 0.00001; ExAC 0.00001; gnomAD 0.00001.
gnomAD v4.1: 2 of 1,610,068 alleles (0.00012%); highest among the groups gnomAD compares: Non-Finnish European, 0.00017%; no homozygotes.

Submission:

Labcorp Genetics (formerly Invitae), Labcorp
Classification: Uncertain significance. Last evaluated: 2021-08-09. Review status: criteria provided, single submitter. Criteria: Invitae Variant Classification Sherloc (09022015). Collection method: clinical testing. Allele origin: germline.
Comment: This sequence change replaces alanine with valine at codon 608 of the ADGRV1 protein (p.Ala608Val). The alanine residue is highly conserved and there is a small physicochemical difference between alanine and valine. This variant is present in population databases (rs776614986, ExAC 0.002%). This variant has not been reported in the literature in individuals affected with ADGRV1-related conditions. Algorithms developed to predict the effect of missense changes on protein structure and function are either unavailable or do not agree on the potential impact of this missense change (SIFT: "Deleterious"; PolyPhen-2: "Possibly Damaging"; Align-GVGD: "Class C0"). In summary, the available evidence is currently insufficient to determine the role of this variant in disease. Therefore, it has been classified as a Variant of Uncertain Significance.

NM_032119.4(ADGRV1):c.1823C>T (p.Ala608Val)

Gene: ADGRV1 (adhesion G protein-coupled receptor V1; plus strand). Cytogenetic location: 5q14.3.
Variant type: single nucleotide variant.
Coding change: c.1823C>T on transcript NM_032119.4 (MANE Select); coding-DNA position 1823, C replaced by T.
Protein change: p.Ala608Val; replaces alanine 608 with valine.
Molecular consequence: missense variant. On other transcripts: non-coding transcript variant (1).
Genome position (GRCh38, 1-based): chr5:90,629,523, C>T. VCF-style: chr5-90629523-C-T. GRCh37 (hg19) VCF-style: chr5-89925340-C-T.
Other names: short protein forms A608V.
Identifiers: ClinVar variation 1444417 (VCV001444417.6), dbSNP rs776614986, ClinGen allele CA3338754.